The following is an entry in ClinVar:

ClinVar aggregate classification (germline): Uncertain significance (1 of 4 stars; one submission).

Conditions:
Congenital sideroblastic anemia-B-cell immunodeficiency-periodic fever-developmental delay syndrome. Also called: Sideroblastic anemia with B-cell immunodeficiency, periodic fevers, and developmental delay. Identifiers: Orphanet 369861, MedGen C4015172, MONDO:0014487, OMIM 616084.

Allele frequency attached by ClinVar (database versions not stated): gnomAD exomes below 0.00001.
gnomAD v4.1: 2 of 1,587,354 alleles (0.00013%); highest among the groups gnomAD compares: Non-Finnish European, 0.00017%; no homozygotes.

Submission:

Labcorp Genetics (formerly Invitae), Labcorp
Classification: Uncertain significance for Congenital sideroblastic anemia-B-cell immunodeficiency-periodic fever-developmental delay syndrome. Last evaluated: 2022-06-23. Review status: criteria provided, single submitter. Criteria: Invitae Variant Classification Sherloc (09022015). Collection method: clinical testing. Allele origin: germline.
Comment: This variant is not present in population databases (gnomAD no frequency). This sequence change replaces lysine, which is basic and polar, with arginine, which is basic and polar, at codon 177 of the TRNT1 protein (p.Lys177Arg). This variant has not been reported in the literature in individuals affected with TRNT1-related conditions. In summary, the available evidence is currently insufficient to determine the role of this variant in disease. Therefore, it has been classified as a Variant of Uncertain Significance. Algorithms developed to predict the effect of missense changes on protein structure and function (SIFT, PolyPhen-2, Align-GVGD) all suggest that this variant is likely to be tolerated. ClinVar contains an entry for this variant (Variation ID: 834409).

NM_182916.3(TRNT1):c.530A>G (p.Lys177Arg)

Gene: TRNT1 (tRNA nucleotidyl transferase 1; plus strand). Cytogenetic location: 3p26.2.
Variant type: single nucleotide variant.
Coding change: c.530A>G on transcript NM_182916.3 (MANE Select); coding-DNA position 530, A replaced by G.
Protein change: p.Lys177Arg; replaces lysine 177 with arginine.
Molecular consequence: missense variant. On other transcripts: non-coding transcript variant (8).
Genome position (GRCh38, 1-based): chr3:3,144,632, A>G. VCF-style: chr3-3144632-A-G. GRCh37 (hg19) VCF-style: chr3-3186316-A-G.
Other names: c.530A>G, p.Lys177Arg (NM_001302946.2, NM_001367321.1, NM_001367322.1 and 1 more transcripts); short protein forms K177R.
Identifiers: ClinVar variation 834409 (VCV000834409.6), dbSNP rs1705869749, ClinGen allele CA351445150.